The following is an entry in ClinVar:

ClinVar aggregate classification (germline): Uncertain significance (1 of 4 stars; one submission).

gnomAD v4.1: 97 of 1,613,204 alleles (0.006%); highest among the groups gnomAD compares: Non-Finnish European, 0.0076%; no homozygotes.

Submission:

Labcorp Genetics (formerly Invitae), Labcorp
Classification: Uncertain significance. Last evaluated: 2024-07-30. Review status: criteria provided, single submitter. Criteria: Invitae Variant Classification Sherloc (09022015). Collection method: clinical testing. Allele origin: germline.
Comment: This sequence change replaces alanine, which is neutral and non-polar, with serine, which is neutral and polar, at codon 268 of the XPO5 protein (p.Ala268Ser). This variant is present in population databases (rs202060670, gnomAD 0.005%). This variant has not been reported in the literature in individuals affected with XPO5-related conditions. An algorithm developed to predict the effect of missense changes on protein structure and function (PolyPhen-2) suggests that this variant is likely to be disruptive. In summary, the available evidence is currently insufficient to determine the role of this variant in disease. Therefore, it has been classified as a Variant of Uncertain Significance.

NM_020750.3(XPO5):c.802G>T (p.Ala268Ser)

Gene: XPO5 (exportin 5; minus strand). Cytogenetic location: 6p21.1.
Variant type: single nucleotide variant.
Coding change: c.802G>T on transcript NM_020750.3 (MANE Select); coding-DNA position 802, G replaced by T.
Protein change: p.Ala268Ser; replaces alanine 268 with serine.
Molecular consequence: missense variant. On other transcripts: non-coding transcript variant (1).
Genome position (GRCh38, 1-based): chr6:43,567,201, C>A on the plus strand (G>T on the coding strand, the complement: XPO5 is on the minus strand). VCF-style: chr6-43567201-C-A. GRCh37 (hg19) VCF-style: chr6-43534938-C-A.
Other names: short protein forms A268S.
Identifiers: ClinVar variation 3664289 (VCV003664289.2).